The following is an entry in ClinVar:

NM_007194.4(CHEK2):c.154del (p.Ser52fs)

Gene: CHEK2 (checkpoint kinase 2; minus strand). Cytogenetic location: 22q12.1.
Variant type: Deletion.
Coding change: c.154del on transcript NM_007194.4 (MANE Select); coding-DNA position 154, one base deleted (T; older notation c.154delT).
Protein change: p.Ser52fs; shifts the reading frame from serine 52.
Molecular consequence: frameshift variant.
Genome position (GRCh38, 1-based): chr22:28,734,568, A deleted on the plus strand (T on the coding strand, the reverse complement: CHEK2 is on the minus strand). VCF-style (leftmost placement, unchanged base first): chr22-28734567-GA-G. GRCh37 (hg19) VCF-style: chr22-29130555-GA-G.
Other names: c.154delT, p.Ser52Profs (NM_001005735.3, NM_001349956.3, NM_145862.3); c.-624delT (NM_001257387.3); short protein forms S52fs.
Identifiers: ClinVar variation 2005161 (VCV002005161.4), dbSNP rs2518131755, ClinGen allele CA2580099431.
Genomic context (GRCh38, chr22:28,734,567, plus strand): 5'-TAGAGTTCCTGAGTGGACACTGTCTCTAAGGAGCTCAGTGTCCCAGAGCTGGAGTGAGAG[GA>G]CTGGCTGGAGTTTGGCATCGTGCTGGTAGAGGAGCTGGATATGCCCTGGGACTGTGAGGA-3'

ClinVar aggregate classification (germline): Pathogenic (1 of 4 stars; one submission).

Conditions:
Familial cancer of breast. Also called: hereditary breast carcinoma; Hereditary breast cancer; BREAST CANCER, FAMILIAL. Identifiers: Orphanet 227535, MedGen C0346153, MONDO:0016419, OMIM 114480. Disease mechanism: loss of function.

Submission:

Labcorp Genetics (formerly Invitae), Labcorp
Classification: Pathogenic for Familial cancer of breast. Last evaluated: 2022-06-12. Review status: criteria provided, single submitter. Criteria: Invitae Variant Classification Sherloc (09022015). Collection method: clinical testing. Allele origin: germline.
Comment: For these reasons, this variant has been classified as Pathogenic. This variant has not been reported in the literature in individuals affected with CHEK2-related conditions. This variant is not present in population databases (gnomAD no frequency). This sequence change creates a premature translational stop signal (p.Ser52Profs*9) in the CHEK2 gene. It is expected to result in an absent or disrupted protein product. Loss-of-function variants in CHEK2 are known to be pathogenic (PMID: 21876083, 24713400).

Literature cited by the submitters: PubMed 21876083; PubMed 24713400.